The following is an entry in ClinVar:

NM_016507.4(CDK12):c.2290A>C (p.Lys764Gln)

Gene: CDK12 (cyclin dependent kinase 12; plus strand). Cytogenetic location: 17q12.
Variant type: single nucleotide variant.
Coding change: c.2290A>C on transcript NM_016507.4 (MANE Select); coding-DNA position 2290, A replaced by C.
Protein change: p.Lys764Gln; replaces lysine 764 with glutamine.
Molecular consequence: missense variant.
Genome position (GRCh38, 1-based): chr17:39,494,565, A>C. VCF-style: chr17-39494565-A-C. GRCh37 (hg19) VCF-style: chr17-37650818-A-C.
Other names: c.2290A>C, p.Lys764Gln (NM_015083.4); short protein forms K764Q.
Identifiers: ClinVar variation 4841687 (VCV004841687.1).

ClinVar aggregate classification (germline): Uncertain significance (1 of 4 stars; one submission).

Submission:

Ambry Genetics
Classification: Uncertain significance. Last evaluated: 2025-12-26. Review status: criteria provided, single submitter. Criteria: Ambry Variant Classification Scheme 2023. Collection method: clinical testing. Allele origin: germline.
Comment: The p.K764Q variant (also known as c.2290A>C), located in coding exon 5 of the CDK12 gene, results from an A to C substitution at nucleotide position 2290. The lysine at codon 764 is replaced by glutamine, an amino acid with similar properties. This amino acid position is conserved. In addition, this alteration is predicted to be tolerated by in silico analysis. Based on the available evidence, the clinical significance of this variant remains unclear.